The following is an entry in ClinVar:

ClinVar aggregate classification (germline): Likely pathogenic (1 of 4 stars; one submission).

Conditions:
Autosomal recessive limb-girdle muscular dystrophy type 2I. Also called: MUSCULAR DYSTROPHY-DYSTROGLYCANOPATHY (LIMB-GIRDLE), TYPE C, 5; MUSCULAR DYSTROPHY, LIMB-GIRDLE, TYPE 2I; MUSCULAR DYSTROPHY-DYSTROGLYCANOPATHY, LIMB-GIRDLE, FRKP-RELATED. Identifiers: Orphanet 34515, MedGen C1846672, MONDO:0011787, OMIM 607155.

Submission:

Natera, Inc.
Classification: Likely pathogenic for Limb-girdle muscular dystrophy type 2I. Last evaluated: 2025-05-04. Review status: criteria provided, single submitter. Criteria: Natera Variant Classification Schema (03/2026). Collection method: clinical testing. Allele origin: germline.
Comment: The c.1230dup variant in FKRP is a frameshift variant predicted to shift the reading frame beginning at codon 411 and leads to a stop codon 53 codons downstream. This variant is expected to result in nonsense mediated decay, truncation, or a dysfunctional protein product. This variant is rare in the general population with a frequency below the threshold expected for the associated phenotype(s). Given the available evidence, this variant is classified as Likely Pathogenic.

NM_024301.5(FKRP):c.1230dup (p.Asn411fs)

Gene: FKRP (fukutin related protein; plus strand). Cytogenetic location: 19q13.32.
Variant type: Duplication.
Coding change: c.1230dup on transcript NM_024301.5 (MANE Select); coding-DNA position 1230, one base duplicated (C; older notation c.1230dupC).
Protein change: p.Asn411fs; shifts the reading frame from asparagine 411.
Molecular consequence: frameshift variant.
Genome position (GRCh38, 1-based): chr19:46,756,680, C duplicated. VCF-style (leftmost placement, unchanged base first): chr19-46756679-G-GC. GRCh37 (hg19) VCF-style: chr19-47259936-G-GC.
Other names: c.1230dup, p.Asn411fs (NM_001039885.3); short protein forms N411fs.
Identifiers: ClinVar variation 4068084 (VCV004068084.2).
Genomic context (GRCh38, chr19:46,756,679, plus strand): 5'-GCGGCTTCGTATGGGAGAAGGCGGTCGAGGGCGACTTTTTCCGCGTGCAGTACAGCGAAA[G>GC]CAACCACTTGCACGTGGACCTGTGGCCCTTCTACCCCCGCAATGGCGTCATGACCAAGGA-3'